The following is an entry in ClinVar:

NM_003640.5(ELP1):c.667G>T (p.Val223Leu)

Gene: ELP1 (elongator acetyltransferase complex subunit 1; minus strand). Cytogenetic location: 9q31.3.
Variant type: single nucleotide variant.
Coding change: c.667G>T on transcript NM_003640.5 (MANE Select); coding-DNA position 667, G replaced by T.
Protein change: p.Val223Leu; replaces valine 223 with leucine.
Molecular consequence: missense variant. On other transcripts: intron variant (1).
Genome position (GRCh38, 1-based): chr9:108,918,884, C>A on the plus strand (G>T on the coding strand, the complement: ELP1 is on the minus strand). VCF-style: chr9-108918884-C-A. GRCh37 (hg19) VCF-style: chr9-111681164-C-A.
Other names: c.325G>T, p.Val109Leu (NM_001318360.2); c.-307-1214G>T (NM_001330749.2); short protein forms V109L, V223L.
Identifiers: ClinVar variation 834894 (VCV000834894.9), dbSNP rs769746039, ClinGen allele CA5175268.
Genomic context (GRCh38, chr9:108,918,884, plus strand): 5'-CTGGTCCCAGTCCTGCCACAGGCTCACTGGTTGACTGCAAAGCAAACTCTCGGTTCCACA[C>A]TCTGACCTTCCGAGCCCCTGTGCGGGAGTGGAGTCAAACACACATACACACTTAAAACAT-3'
Protein context (NP_003631.2, residues 213-233): CPETGARKVR[Val223Leu]WNREFALQST

ClinVar aggregate classification (germline): Uncertain significance. Review status: criteria provided, multiple submitters, no conflicts (2 of 4 stars). 3 submissions from 3 submitters: Uncertain significance (2). 1 of the submissions does not count toward it. Last evaluated 2025-12-11.

Conditions:
Familial dysautonomia. Also called: HSAN III; FD. Identifiers: Orphanet 1764, MedGen C0013364, MONDO:0009131, OMIM 223900. Disease mechanism: loss of function.

Allele frequency attached by ClinVar (database versions not stated): ExAC 0.00001; gnomAD exomes 0.00001.
gnomAD v4.1: 2 of 1,614,146 alleles (0.00012%); highest among the groups gnomAD compares: Non-Finnish European, 0.00017%; no homozygotes.

Submissions (3):

Ambry Genetics
Classification: Uncertain significance. Last evaluated: 2025-12-11. Review status: criteria provided, single submitter. Criteria: Ambry Variant Classification Scheme 2023. Collection method: clinical testing. Allele origin: germline.

Labcorp Genetics (formerly Invitae), Labcorp
Classification: Uncertain significance. Last evaluated: 2021-08-27. Review status: criteria provided, single submitter. Criteria: Invitae Variant Classification Sherloc (09022015). Collection method: clinical testing. Allele origin: germline.
Comment: This sequence change replaces valine with leucine at codon 223 of the ELP1 protein (p.Val223Leu). The valine residue is highly conserved and there is a small physicochemical difference between valine and leucine. This variant is present in population databases (rs769746039, ExAC 0.001%). This variant has not been reported in the literature in individuals affected with ELP1-related conditions. Algorithms developed to predict the effect of missense changes on protein structure and function are either unavailable or do not agree on the potential impact of this missense change (SIFT: "Deleterious"; PolyPhen-2: "Possibly Damaging"; Align-GVGD: "Class C0"). In summary, the available evidence is currently insufficient to determine the role of this variant in disease. Therefore, it has been classified as a Variant of Uncertain Significance.

Natera, Inc.
Classification: Uncertain significance for Familial dysautonomia. Last evaluated: 2021-08-02. Review status: no assertion criteria provided. Collection method: clinical testing. Allele origin: germline. Not counted in ClinVar's aggregate classification.